The following is an entry in ClinVar:

NM_001370259.2(MEN1):c.1426C>G (p.Arg476Gly)

Gene: MEN1 (menin 1; minus strand). Cytogenetic location: 11q13.1.
Variant type: single nucleotide variant.
Coding change: c.1426C>G on transcript NM_001370259.2 (MANE Select); coding-DNA position 1426, C replaced by G.
Protein change: p.Arg476Gly; replaces arginine 476 with glycine.
Molecular consequence: missense variant. On other transcripts: non-coding transcript variant (4).
Genome position (GRCh38, 1-based): chr11:64,804,741, G>C on the plus strand (C>G on the coding strand, the complement: MEN1 is on the minus strand). VCF-style: chr11-64804741-G-C. GRCh37 (hg19) VCF-style: chr11-64572213-G-C.
Other names: c.1426C>G, p.Arg476Gly (NM_001370260.2, NM_001370261.2, NM_001407146.1 and 2 more transcripts); c.1321C>G, p.Arg441Gly (NM_001370262.2, NM_001370263.2, NM_001407148.1 and 1 more transcripts); c.1552C>G, p.Arg518Gly (NM_001407142.1, NM_001407143.1, NM_001407144.1 and 1 more transcripts); c.1441C>G, p.Arg481Gly (NM_001407145.1, NM_130802.3, NM_130803.3 and 4 more transcripts); c.1567C>G, p.Arg523Gly (NM_001407150.1); c.1447C>G, p.Arg483Gly (NM_001407151.1); c.1261C>G, p.Arg421Gly (NM_001407152.1); short protein forms R421G, R476G, R481G, R518G, R483G, R441G, R523G.
Identifiers: ClinVar variation 3634189 (VCV003634189.2).
Genomic context (GRCh38, chr11:64,804,741, plus strand): 5'-TGGGCGGCGGGGGCTCCTCTGGCTTGGACTCCCGCCGTGGGCCCCGCCGCCGGCCTTCCC[G>C]GGCTTCCTCGCCCCACGGCTCCTCGGCCTCGGCCGCCTCGGCCTCTCGGCTCACTATGCG-3'
Protein context (NP_001357188.2, residues 466-486): EAEEPWGEEA[Arg476Gly]EGRRRGPRRE

ClinVar aggregate classification (germline): Uncertain significance (1 of 4 stars; one submission).

Conditions:
Multiple endocrine neoplasia, type 1 (MEN1). Also called: MEN I; WERMER SYNDROME; Endocrine adenomatosis multiple; MEN 1; MEA I. Identifiers: Orphanet 652, MedGen C0025267, MeSH D018761, MONDO:0007540, OMIM 131100.

Submission:

Labcorp Genetics (formerly Invitae), Labcorp
Classification: Uncertain significance for Multiple endocrine neoplasia, type 1. Last evaluated: 2024-11-02. Review status: criteria provided, single submitter. Criteria: Invitae Variant Classification Sherloc (09022015). Collection method: clinical testing. Allele origin: germline.
Comment: This sequence change replaces arginine, which is basic and polar, with glycine, which is neutral and non-polar, at codon 476 of the MEN1 protein (p.Arg476Gly). This variant is not present in population databases (gnomAD no frequency). This variant has not been reported in the literature in individuals affected with MEN1-related conditions. Invitae Evidence Modeling of protein sequence and biophysical properties (such as structural, functional, and spatial information, amino acid conservation, physicochemical variation, residue mobility, and thermodynamic stability) indicates that this missense variant is not expected to disrupt MEN1 protein function with a negative predictive value of 80%. In summary, the available evidence is currently insufficient to determine the role of this variant in disease. Therefore, it has been classified as a Variant of Uncertain Significance.